The following is an entry in ClinVar:

NM_000264.5(PTCH1):c.3032del (p.Asn1011fs)

Gene: PTCH1 (patched 1; minus strand). Cytogenetic location: 9q22.32.
Variant type: Deletion.
Coding change: c.3032del on transcript NM_000264.5 (MANE Select); coding-DNA position 3032, one base deleted (A; older notation c.3032delA).
Protein change: p.Asn1011fs; shifts the reading frame from asparagine 1011.
Molecular consequence: frameshift variant. On other transcripts: non-coding transcript variant (1).
Genome position (GRCh38, 1-based): chr9:95,458,149, T deleted on the plus strand (A on the coding strand, the reverse complement: PTCH1 is on the minus strand); the first of 2 consecutive T bases (chr9:95,458,149-95,458,150); deleting either gives the same sequence. VCF-style (leftmost placement, unchanged base first): chr9-95458148-GT-G. GRCh37 (hg19) VCF-style: chr9-98220430-GT-G.
Other names: c.2834del, p.Asn945fs (NM_001083602.3); c.3029del, p.Asn1010fs (NM_001083603.3); c.2579del, p.Asn860fs (NM_001083604.3, NM_001083605.3, NM_001083606.3 and 1 more transcripts); c.2876del, p.Asn959fs (NM_001354918.2); short protein forms N945fs, N1010fs, N959fs, N860fs, N1011fs.
Identifiers: ClinVar variation 2761041 (VCV002761041.3), dbSNP rs2538068289, ClinGen allele CA2697557891.
Genomic context (GRCh38, chr9:95,458,148, plus strand): 5'-GAACAGCAGCAGCCAGTGGCGGAGGCCGATGTACTGCTCCCAGAAGAGGAAGGGGTAGCC[GT>G]TGGGGTAACTGGACAGCCCCAGGCTCGTATAGTTGCTGCAGATGGTCCTTACTTTTTCAA-3'

ClinVar aggregate classification (germline): Pathogenic (1 of 4 stars; one submission).

Conditions:
Gorlin syndrome. Also called: Nevoid Basal Cell Carcinoma Syndrome; Basal cell nevus syndrome. Identifiers: Orphanet 377, MedGen C0004779, MONDO:0007187.

Submission:

Labcorp Genetics (formerly Invitae), Labcorp
Classification: Pathogenic for Gorlin syndrome. Last evaluated: 2023-09-17. Review status: criteria provided, single submitter. Criteria: Invitae Variant Classification Sherloc (09022015). Collection method: clinical testing. Allele origin: germline.
Comment: This sequence change creates a premature translational stop signal (p.Asn1011Thrfs*38) in the PTCH1 gene. It is expected to result in an absent or disrupted protein product. Loss-of-function variants in PTCH1 are known to be pathogenic (PMID: 16301862, 16419085). This variant is not present in population databases (gnomAD no frequency). This variant has not been reported in the literature in individuals affected with PTCH1-related conditions. For these reasons, this variant has been classified as Pathogenic.

Literature cited by the submitters: PubMed 16301862; PubMed 16419085.